The following is an entry in ClinVar:

ClinVar aggregate classification (germline): Uncertain significance. Review status: criteria provided, multiple submitters, no conflicts (2 of 4 stars). 2 submissions from 2 submitters: Uncertain significance (2). Last evaluated 2023-09-18.

Conditions:
Inborn genetic diseases. Identifiers: MedGen C0950123, MeSH D030342.

Allele frequency attached by ClinVar (database versions not stated): TOPMed 0.00006; ESP Exome Variant Server 0.00015; 1000 Genomes Project 30x 0.00016; 1000 Genomes Project 0.00040.
gnomAD v4.1: 11 of 1,613,402 alleles (0.00068%); highest among the groups gnomAD compares: African/African-American, 0.015%; no homozygotes.

Submissions (2):

Labcorp Genetics (formerly Invitae), Labcorp
Classification: Uncertain significance. Last evaluated: 2023-09-18. Review status: criteria provided, single submitter. Criteria: Invitae Variant Classification Sherloc (09022015). Collection method: clinical testing. Allele origin: germline.
Comment: This sequence change replaces serine, which is neutral and polar, with proline, which is neutral and non-polar, at codon 399 of the JARID2 protein (p.Ser399Pro). This variant is present in population databases (rs144274940, gnomAD 0.008%). This variant has not been reported in the literature in individuals affected with JARID2-related conditions. An algorithm developed to predict the effect of missense changes on protein structure and function (PolyPhen-2) suggests that this variant is likely to be tolerated. In summary, the available evidence is currently insufficient to determine the role of this variant in disease. Therefore, it has been classified as a Variant of Uncertain Significance.

Ambry Genetics
Classification: Uncertain significance for Inborn genetic diseases. Last evaluated: 2023-07-19. Review status: criteria provided, single submitter. Criteria: Ambry Variant Classification Scheme 2023. Collection method: clinical testing. Allele origin: germline.

NM_004973.4(JARID2):c.1195T>C (p.Ser399Pro)

Gene: JARID2 (jumonji and AT-rich interaction domain containing 2; plus strand). Cytogenetic location: 6p22.3.
Variant type: single nucleotide variant.
Coding change: c.1195T>C on transcript NM_004973.4 (MANE Select); coding-DNA position 1195, T replaced by C.
Protein change: p.Ser399Pro; replaces serine 399 with proline.
Molecular consequence: missense variant.
Genome position (GRCh38, 1-based): chr6:15,496,420, T>C. VCF-style: chr6-15496420-T-C. GRCh37 (hg19) VCF-style: chr6-15496651-T-C.
Other names: c.679T>C, p.Ser227Pro (NM_001267040.1); short protein forms S227P, S399P.
Identifiers: ClinVar variation 2613258 (VCV002613258.5), dbSNP rs144274940, ClinGen allele CA134808648.